The following is an entry in ClinVar:

ClinVar aggregate classification (germline): Pathogenic (1 of 4 stars; one submission).

Conditions:
Atrioventricular septal defect 4 (AVSD4). Identifiers: MedGen C3280781, MONDO:0013747, OMIM 614430.

Submission:

Labcorp Genetics (formerly Invitae), Labcorp
Classification: Pathogenic for Atrioventricular septal defect 4. Last evaluated: 2023-06-24. Review status: criteria provided, single submitter. Criteria: Invitae Variant Classification Sherloc (09022015). Collection method: clinical testing. Allele origin: germline.
Comment: This sequence change creates a premature translational stop signal (p.Gly137*) in the GATA4 gene. It is expected to result in an absent or disrupted protein product. Loss-of-function variants in GATA4 are known to be pathogenic (PMID: 12845333, 15235040). This variant is not present in population databases (gnomAD no frequency). This variant has not been reported in the literature in individuals affected with GATA4-related conditions. For these reasons, this variant has been classified as Pathogenic.

Literature cited by the submitters: PubMed 12845333; PubMed 15235040.

NM_001308093.3(GATA4):c.409G>T (p.Gly137Ter)

Gene: GATA4 (GATA binding protein 4). Cytogenetic location: 8p23.1.
Variant type: single nucleotide variant.
Coding change: c.409G>T on transcript NM_001308093.3 (MANE Select); coding-DNA position 409, G replaced by T.
Protein change: p.Gly137Ter; replaces glycine 137 with a stop codon.
Molecular consequence: nonsense. On other transcripts: intron variant (3).
Genome position (GRCh38, 1-based): chr8:11,708,721, G>T. VCF-style: chr8-11708721-G-T. GRCh37 (hg19) VCF-style: chr8-11566230-G-T.
Other names: c.-3+4417G>T (NM_001374273.1); c.-3+707G>T (NM_001374274.1); c.409G>T, p.Gly137Ter (NM_002052.5); c.-6+7943G>T (NM_001308094.2); short protein forms G137*.
Identifiers: ClinVar variation 2711491 (VCV002711491.3), dbSNP rs2486781068, ClinGen allele CA370309563.